The following is an entry in ClinVar:

Conditions:
Long QT syndrome 5 (LQT5). Identifiers: Orphanet 101016, Orphanet 768, MedGen C1867904, MONDO:0013372, OMIM 613695.

Submission:

Roden Lab, Vanderbilt University Medical Center
No classification provided (evidence only). Condition: Long QT syndrome 5. Review status: no classification provided. Collection method: in vitro. Allele origin: not applicable. Functional consequence: Effect on ion channel function.
ClinVar note: "not provided" was previously submitted as the classification for the variant. However, the classification appeared to be based only on an observation of functional data so it was converted to no classification on 2025-07-30.

NM_000219.6(KCNE1):c.106C>A (p.Arg36Ser)

Gene: KCNE1 (potassium voltage-gated channel subfamily E regulatory subunit 1; minus strand). Cytogenetic location: 21q22.12.
Variant type: single nucleotide variant.
Coding change: c.106C>A on transcript NM_000219.6 (MANE Select); coding-DNA position 106, C replaced by A.
Protein change: p.Arg36Ser; replaces arginine 36 with serine.
Molecular consequence: missense variant.
Genome position (GRCh38, 1-based): chr21:34,449,529, G>T on the plus strand (C>A on the coding strand, the complement: KCNE1 is on the minus strand). VCF-style: chr21-34449529-G-T. GRCh37 (hg19) VCF-style: chr21-35821827-G-T.
Other names: c.106C>A, p.Arg36Ser (NM_001127668.4, NM_001127669.4, NM_001127670.4 and 4 more transcripts); short protein forms R36S.
Identifiers: ClinVar variation 3374064 (VCV003374064.2).